The following is an entry in ClinVar:

NM_001037333.3(CYFIP2):c.1867C>T (p.Arg623Ter)

Gene: CYFIP2 (cytoplasmic FMR1 interacting protein 2; plus strand). Cytogenetic location: 5q33.3.
Variant type: single nucleotide variant.
Coding change: c.1867C>T on transcript NM_001037333.3 (MANE Select); coding-DNA position 1867, C replaced by T.
Protein change: p.Arg623Ter; replaces arginine 623 with a stop codon.
Molecular consequence: nonsense.
Genome position (GRCh38, 1-based): chr5:157,325,523, C>T. VCF-style: chr5-157325523-C-T. GRCh37 (hg19) VCF-style: chr5-156752531-C-T.
Other names: c.1789C>T, p.Arg597Ter (NM_001291721.2); c.1942C>T, p.Arg648Ter (NM_001291722.2); c.1867C>T, p.Arg623Ter (NM_014376.4); short protein forms R597*, R623*, R648*.
Identifiers: ClinVar variation 5038154 (VCV005038154.1).

ClinVar aggregate classification (germline): Uncertain significance (1 of 4 stars; one submission).

Conditions:
Developmental and epileptic encephalopathy, 65. Also called: EPILEPTIC ENCEPHALOPATHY, EARLY INFANTILE, 65. Identifiers: MedGen C4693925, MONDO:0033374, OMIM 618008.

Submission:

MVZ Medizinische Genetik Mainz
Classification: Uncertain significance for Developmental and epileptic encephalopathy, 65. Last evaluated: 2026-09-08. Review status: criteria provided, single submitter. Criteria: UK Practice Guidelines For Variant Classification V4 01 2020. Collection method: clinical testing. Allele origin: germline. Inheritance: Autosomal dominant inheritance. Affected: yes. Observed: 1 variant allele.
Comment: ACMG Criteria: PVS1_MOD,PM2_SUP